The following is an entry in ClinVar:

NM_015346.4(ZFYVE26):c.3917C>T (p.Ala1306Val)

Gene: ZFYVE26 (zinc finger FYVE-type containing 26; minus strand). Cytogenetic location: 14q24.1.
Variant type: single nucleotide variant.
Coding change: c.3917C>T on transcript NM_015346.4 (MANE Select); coding-DNA position 3917, C replaced by T.
Protein change: p.Ala1306Val; replaces alanine 1306 with valine.
Molecular consequence: missense variant.
Genome position (GRCh38, 1-based): chr14:67,783,235, G>A on the plus strand (C>T on the coding strand, the complement: ZFYVE26 is on the minus strand). VCF-style: chr14-67783235-G-A. GRCh37 (hg19) VCF-style: chr14-68249952-G-A.
Other names: short protein forms A1306V.
Identifiers: ClinVar variation 2072425 (VCV002072425.4), dbSNP rs2502806661, ClinGen allele CA390171217.

ClinVar aggregate classification (germline): Uncertain significance (1 of 4 stars; one submission).

Conditions:
Spastic paraplegia. Identifiers: MedGen C0037772, HP:0001258.

Submission:

Labcorp Genetics (formerly Invitae), Labcorp
Classification: Uncertain significance for Spastic paraplegia. Last evaluated: 2022-06-19. Review status: criteria provided, single submitter. Criteria: Invitae Variant Classification Sherloc (09022015). Collection method: clinical testing. Allele origin: germline.
Comment: This variant has not been reported in the literature in individuals affected with ZFYVE26-related conditions. In summary, the available evidence is currently insufficient to determine the role of this variant in disease. Therefore, it has been classified as a Variant of Uncertain Significance. Algorithms developed to predict the effect of missense changes on protein structure and function (SIFT, PolyPhen-2, Align-GVGD) all suggest that this variant is likely to be tolerated. This variant is not present in population databases (gnomAD no frequency). This sequence change replaces alanine, which is neutral and non-polar, with valine, which is neutral and non-polar, at codon 1306 of the ZFYVE26 protein (p.Ala1306Val).